The following is an entry in ClinVar:

ClinVar aggregate classification (germline): Uncertain significance. Review status: criteria provided, multiple submitters, no conflicts (2 of 4 stars). 2 submissions from 2 submitters: Uncertain significance (2). Last evaluated 2024-05-28.
ClinVar aggregate classification (oncogenicity): Uncertain significance (1 of 4 stars; one submission).

Conditions:
Neoplasm. Also called: tumor; Neoplasms; Neoplasm (disease). Identifiers: MedGen C0027651, MeSH D009369, MONDO:0005070, HP:0002664.

Submissions (3):

Center for Genomic Medicine, Rigshospitalet, Copenhagen University Hospital
Classification: Uncertain significance for Neoplasm. Last evaluated: 2025-12-29. Review status: criteria provided, single submitter. Criteria: ClinGen/CGC/VICC Guidelines for Oncogenicity, 2022. Collection method: clinical testing. Allele origin: somatic. Affected: yes.

Labcorp Genetics (formerly Invitae), Labcorp
Classification: Uncertain significance. Last evaluated: 2024-05-28. Review status: criteria provided, single submitter. Criteria: Invitae Variant Classification Sherloc (09022015). Collection method: clinical testing. Allele origin: germline.
Comment: This sequence change replaces glycine, which is neutral and non-polar, with glutamic acid, which is acidic and polar, at codon 138 of the LZTR1 protein (p.Gly138Glu). This variant is not present in population databases (gnomAD no frequency). This variant has not been reported in the literature in individuals affected with LZTR1-related conditions. Advanced modeling of protein sequence and biophysical properties (such as structural, functional, and spatial information, amino acid conservation, physicochemical variation, residue mobility, and thermodynamic stability) performed at Invitae indicates that this missense variant is not expected to disrupt LZTR1 protein function with a negative predictive value of 80%. In summary, the available evidence is currently insufficient to determine the role of this variant in disease. Therefore, it has been classified as a Variant of Uncertain Significance.

Blueprint Genetics
Classification: Uncertain significance. Last evaluated: 2023-05-19. Review status: criteria provided, single submitter. Criteria: ACMG Guidelines, 2015. Collection method: clinical testing. Allele origin: germline.

NM_006767.4(LZTR1):c.413G>A (p.Gly138Glu)

Gene: LZTR1 (leucine zipper like post translational regulator 1; plus strand). Cytogenetic location: 22q11.21.
Variant type: single nucleotide variant.
Coding change: c.413G>A on transcript NM_006767.4 (MANE Select); coding-DNA position 413, G replaced by A.
Protein change: p.Gly138Glu; replaces glycine 138 with glutamic acid.
Molecular consequence: missense variant.
Genome position (GRCh38, 1-based): chr22:20,988,022, G>A. VCF-style: chr22-20988022-G-A. GRCh37 (hg19) VCF-style: chr22-21342311-G-A.
Other names: short protein forms G138E.
Identifiers: ClinVar variation 3654868 (VCV003654868.4).